The following is an entry in ClinVar:

NC_000001.10:g.(?_74797114)_(74808883_?)dup

Genes: FPGT-TNNI3K (FPGT-TNNI3K readthrough; plus strand), TNNI3K (TNNI3 interacting kinase; plus strand). Cytogenetic location: 1p31.1.
Variant type: Duplication.
Identifiers: ClinVar variation 1412009 (VCV001412009.5).

ClinVar aggregate classification (germline): Uncertain significance (1 of 4 stars; one submission).

Submission:

Labcorp Genetics (formerly Invitae), Labcorp
Classification: Uncertain significance. Last evaluated: 2022-06-22. Review status: criteria provided, single submitter. Criteria: Invitae Variant Classification Sherloc (09022015). Collection method: clinical testing. Allele origin: germline.
Comment: In summary, the available evidence is currently insufficient to determine the role of this variant in disease. Therefore, it has been classified as a Variant of Uncertain Significance. This variant has not been reported in the literature in individuals affected with TNNI3K-related conditions. This variant results in a copy number gain of the genomic region encompassing exon(s) 6-9 of the TNNI3K gene. While the exact position of this variant cannot be determined from the data, sub-genic copy number gains are generally in tandem (PMID: 25640679). This variant is predicted to be out-of-frame, and may result in an absent or disrupted protein product. However, the current clinical and genetic evidence is not sufficient to establish whether loss-of-function variants in TNNI3K cause disease.

Literature cited by the submitters: PubMed 25640679.